The following is an entry in ClinVar:

NM_005886.3(KATNB1):c.1193G>A (p.Arg398Gln)

Gene: KATNB1 (katanin regulatory subunit B1; plus strand). Cytogenetic location: 16q21.
Variant type: single nucleotide variant.
Coding change: c.1193G>A on transcript NM_005886.3 (MANE Select); coding-DNA position 1193, G replaced by A.
Protein change: p.Arg398Gln; replaces arginine 398 with glutamine.
Molecular consequence: missense variant.
Genome position (GRCh38, 1-based): chr16:57,753,960, G>A. VCF-style: chr16-57753960-G-A. GRCh37 (hg19) VCF-style: chr16-57787872-G-A.
Other names: short protein forms R398Q.
Identifiers: ClinVar variation 2201034 (VCV002201034.25), dbSNP rs191441658, ClinGen allele CA8081079.
Genomic context (GRCh38, chr16:57,753,960, plus strand): 5'-GCCTGGCCAGGAGCGCTCACAGCCAGGGGCCTCTTTCCTCTGCAGGTCGGACGCCACCCC[G>A]GAGAAGTGAGCCCTTCCCTGCACCCCCAGAGGACGGTGAGTTGGGTGAGCCTGGTTTCCC-3'
Protein context (NP_005877.2, residues 388-408): PKNSISRTPP[Arg398Gln]RSEPFPAPPE

ClinVar aggregate classification (germline): Conflicting classifications of pathogenicity. Review status: criteria provided, conflicting classifications (1 of 4 stars). 2 submissions from 2 submitters: Uncertain significance (1); Likely benign (1). Last evaluated 2022-11-01.

Allele frequency attached by ClinVar (database versions not stated): gnomAD exomes 0.00006; ExAC 0.00007; gnomAD 0.00011; 1000 Genomes Project 0.00040; 1000 Genomes Project 30x 0.00062.
gnomAD v4.1: 103 of 1,613,542 alleles (0.0064%); highest among the groups gnomAD compares: Admixed American, 0.053%; no homozygotes.

Submissions (2):

CeGaT Center for Human Genetics Tuebingen
Classification: Likely benign. Last evaluated: 2022-11-01. Review status: criteria provided, single submitter. Criteria: CeGaT Center For Human Genetics Tuebingen Variant Classification Criteria Version 2. Collection method: clinical testing. Allele origin: germline. Affected: yes. Observed: 1 variant allele.
Comment: KATNB1: BP4

Labcorp Genetics (formerly Invitae), Labcorp
Classification: Uncertain significance. Last evaluated: 2022-06-24. Review status: criteria provided, single submitter. Criteria: Invitae Variant Classification Sherloc (09022015). Collection method: clinical testing. Allele origin: germline.
Comment: This sequence change replaces arginine, which is basic and polar, with glutamine, which is neutral and polar, at codon 398 of the KATNB1 protein (p.Arg398Gln). This variant is present in population databases (rs191441658, gnomAD 0.03%). This variant has not been reported in the literature in individuals affected with KATNB1-related conditions. Advanced modeling of protein sequence and biophysical properties (such as structural, functional, and spatial information, amino acid conservation, physicochemical variation, residue mobility, and thermodynamic stability) performed at Invitae indicates that this missense variant is not expected to disrupt KATNB1 protein function. In summary, the available evidence is currently insufficient to determine the role of this variant in disease. Therefore, it has been classified as a Variant of Uncertain Significance.